The following is an entry in ClinVar:

NM_001844.5(COL2A1):c.3718C>T (p.Arg1240Trp)

Gene: COL2A1 (collagen type II alpha 1 chain; minus strand). Cytogenetic location: 12q13.11.
Variant type: single nucleotide variant.
Coding change: c.3718C>T on transcript NM_001844.5 (MANE Select); coding-DNA position 3718, C replaced by T.
Protein change: p.Arg1240Trp; replaces arginine 1240 with tryptophan.
Molecular consequence: missense variant.
Genome position (GRCh38, 1-based): chr12:47,975,485, G>A on the plus strand (C>T on the coding strand, the complement: COL2A1 is on the minus strand). VCF-style: chr12-47975485-G-A. GRCh37 (hg19) VCF-style: chr12-48369268-G-A.
Other names: c.3511C>T, p.Arg1171Trp (NM_033150.3); short protein forms R1240W, R1171W.
Identifiers: ClinVar variation 425002 (VCV000425002.65), dbSNP rs374082762, ClinGen allele CA6534659.

ClinVar aggregate classification (germline): Conflicting classifications of pathogenicity. Review status: criteria provided, conflicting classifications (1 of 4 stars). 8 submissions from 8 submitters: Uncertain significance (7); Likely benign (1). Last evaluated 2026-09-10.

Conditions:
COL2A1-related disorder. Also called: COL2A1-related condition; COL2A1-related disorders.
Hearing impairment. Also called: Impaired Hearing. Identifiers: MedGen C1384666, MONDO:0005365, HP:0000365.

Allele frequency attached by ClinVar (database versions not stated): gnomAD exomes 0.00003; ExAC 0.00004; ESP Exome Variant Server 0.00008; TOPMed 0.00009; gnomAD 0.00010.
gnomAD v4.1: 175 of 1,613,394 alleles (0.011%); highest among the groups gnomAD compares: Non-Finnish European, 0.013%; no homozygotes.

Submissions (8):

GeneDx
Classification: Uncertain significance. Last evaluated: 2026-09-10. Review status: criteria provided, single submitter. Criteria: GeneDx Variant Classification Process June 2021. Collection method: clinical testing. Allele origin: germline.
Comment: Has not been previously published as pathogenic or benign to our knowledge; In silico analysis supports that this missense variant has a deleterious effect on protein structure/function; Not located in the triple helical region, where the majority of pathogenic missense variants occur (HGMD)

Labcorp Genetics (formerly Invitae), Labcorp
Classification: Uncertain significance. Last evaluated: 2025-12-29. Review status: criteria provided, single submitter. Criteria: Invitae Variant Classification Sherloc (09022015). Collection method: clinical testing. Allele origin: germline.
Comment: This sequence change replaces arginine, which is basic and polar, with tryptophan, which is neutral and slightly polar, at codon 1240 of the COL2A1 protein (p.Arg1240Trp). This variant is present in population databases (rs374082762, gnomAD 0.008%). This variant has not been reported in the literature in individuals affected with COL2A1-related conditions. ClinVar contains an entry for this variant (Variation ID: 425002). Invitae Evidence Modeling of protein sequence and biophysical properties (such as structural, functional, and spatial information, amino acid conservation, physicochemical variation, residue mobility, and thermodynamic stability) has been performed for this missense variant. However, the output from this modeling did not meet the statistical confidence thresholds required to predict the impact of this variant on COL2A1 protein function. In summary, the available evidence is currently insufficient to determine the role of this variant in disease. Therefore, it has been classified as a Variant of Uncertain Significance.

Dasa
Classification: Uncertain significance. Last evaluated: 2025-09-04. Review status: criteria provided, single submitter. Criteria: DASA Assertion Criteria. Collection method: clinical testing. Allele origin: germline.
Comment: NM_001844.5(COL2A1):c.3718C>T (p.Arg1240Trp) is a missense variant that results in the substitution of arginine with tryptophan. This classification is supported by population frequency inconsistent with a disease-causing role. Computational prediction algorithms are consistent with a deleterious effect. The currently available literature and clinical evidence are not sufficient to establish a definitive association between this variant and the reported condition. Therefore, this variant is classified as a variant of uncertain significance.

PreventionGenetics, part of Exact Sciences
Classification: Likely benign for COL2A1-related condition. Last evaluated: 2024-12-03. Review status: criteria provided, single submitter. Criteria: ACMG Guidelines, 2015. Collection method: clinical testing. Allele origin: germline.
Comment: This variant is classified as likely benign based on ACMG/AMP sequence variant interpretation guidelines (Richards et al. 2015 PMID: 25741868, with internal and published modifications).

Blueprint Genetics
Classification: Uncertain significance. Last evaluated: 2024-07-16. Review status: criteria provided, single submitter. Criteria: ACMG Guidelines, 2015. Collection method: clinical testing. Allele origin: germline.

Department of Otolaryngology – Head & Neck Surgery, Cochlear Implant Center
Classification: Uncertain significance for Hearing impairment. Last evaluated: 2021-04-12. Review status: criteria provided, single submitter. Criteria: ClinGen HL ACMG Specifications v1. Collection method: clinical testing. Allele origin: germline. Affected: yes.
Comment: PP3_Supporting, BS2_Strong

Eurofins Ntd Llc (ga)
Classification: Uncertain significance. Last evaluated: 2017-12-21. Review status: criteria provided, single submitter. Criteria: EGL Classification Definitions 2015. Collection method: clinical testing. Allele origin: germline. Observed: 1 variant allele, 1 heterozygote.

CeGaT Center for Human Genetics Tuebingen
Classification: Uncertain significance. Last evaluated: 2017-01-01. Review status: criteria provided, single submitter. Criteria: CeGaT Center For Human Genetics Tuebingen Variant Classification Criteria Version 2. Collection method: clinical testing. Allele origin: germline. Affected: yes. Observed: 1 variant allele.